The following is an entry in ClinVar:

ClinVar aggregate classification (germline): Uncertain significance (1 of 4 stars; one submission).

Conditions:
Early-infantile DEE. Also called: Early infantile epileptic encephalopathy; Ohtahara syndrome; Early infantile epileptic encephalopathy with suppression bursts. Identifiers: Orphanet 1934, MedGen C0393706, MONDO:0800491.

Allele frequency attached by ClinVar (database versions not stated): gnomAD below 0.00001 and 0.00001; gnomAD exomes below 0.00001; ExAC 0.00001.
gnomAD v4.1: 5 of 1,612,544 alleles (0.00031%); highest among the groups gnomAD compares: South Asian, 0.0055%; no homozygotes.

Submission:

Labcorp Genetics (formerly Invitae), Labcorp
Classification: Uncertain significance for Early-infantile DEE. Last evaluated: 2019-09-20. Review status: criteria provided, single submitter. Criteria: Invitae Variant Classification Sherloc (09022015). Collection method: clinical testing. Allele origin: germline.
Comment: This variant has not been reported in the literature in individuals with SCN1A-related conditions. This variant is present in population databases (rs745404213, ExAC 0.006%). This sequence change replaces alanine with serine at codon 107 of the SCN1A protein (p.Ala107Ser). The alanine residue is highly conserved and there is a moderate physicochemical difference between alanine and serine. Algorithms developed to predict the effect of missense changes on protein structure and function are either unavailable or do not agree on the potential impact of this missense change (SIFT: "Deleterious"; PolyPhen-2: "Benign"; Align-GVGD: "Class C65"). In summary, the available evidence is currently insufficient to determine the role of this variant in disease. Therefore, it has been classified as a Variant of Uncertain Significance.

NM_001165963.4(SCN1A):c.319G>T (p.Ala107Ser)

Gene: SCN1A (sodium voltage-gated channel alpha subunit 1; minus strand). Cytogenetic location: 2q24.3.
Variant type: single nucleotide variant.
Coding change: c.319G>T on transcript NM_001165963.4 (MANE Select); coding-DNA position 319, G replaced by T.
Protein change: p.Ala107Ser; replaces alanine 107 with serine.
Molecular consequence: missense variant. On other transcripts: 5 prime UTR variant (1), non-coding transcript variant (1).
Genome position (GRCh38, 1-based): chr2:166,058,634, C>A on the plus strand (G>T on the coding strand, the complement: SCN1A is on the minus strand). VCF-style: chr2-166058634-C-A. GRCh37 (hg19) VCF-style: chr2-166915144-C-A.
Other names: c.319G>T, p.Ala107Ser (NM_001353949.2, NM_001353950.2, NM_001353951.2 and 10 more transcripts); c.-2107G>T (NM_001353961.2); short protein forms A107S.
Identifiers: ClinVar variation 943252 (VCV000943252.10), dbSNP rs745404213, ClinGen allele CA1943536.